The following is an entry in ClinVar:

ClinVar aggregate classification (germline): Uncertain significance (1 of 4 stars; one submission).

Conditions:
Inborn genetic diseases. Identifiers: MedGen C0950123, MeSH D030342.

Submission:

Ambry Genetics
Classification: Uncertain significance for Inborn genetic diseases. Last evaluated: 2025-09-12. Review status: criteria provided, single submitter. Criteria: Ambry Variant Classification Scheme 2023. Collection method: clinical testing. Allele origin: germline.
Comment: The c.660A>T (p.K220N) alteration is located in exon 5 (coding exon 5) of the RARB gene. This alteration results from an A to T substitution at nucleotide position 660, causing the lysine (K) at amino acid position 220 to be replaced by an asparagine (N). This variant was not reported in population-based cohorts in the Genome Aggregation Database (gnomAD). This amino acid position is highly conserved in available vertebrate species. The in silico prediction for this alteration is inconclusive. Based on insufficient or conflicting evidence, the clinical significance of this alteration remains unclear.

NM_000965.5(RARB):c.660A>T (p.Lys220Asn)

Gene: RARB (retinoic acid receptor beta; plus strand). Cytogenetic location: 3p24.2.
Variant type: single nucleotide variant.
Coding change: c.660A>T on transcript NM_000965.5 (MANE Select); coding-DNA position 660, A replaced by T.
Protein change: p.Lys220Asn; replaces lysine 220 with asparagine.
Molecular consequence: missense variant. On other transcripts: non-coding transcript variant (2).
Genome position (GRCh38, 1-based): chr3:25,580,596, A>T. VCF-style: chr3-25580596-A-T. GRCh37 (hg19) VCF-style: chr3-25622087-A-T.
Other names: c.681A>T, p.Lys227Asn (NM_001290216.3); c.324A>T, p.Lys108Asn (NM_001290217.2, NM_001290276.2, NM_016152.4); c.513A>T, p.Lys171Asn (NM_001290266.2); c.660A>T, p.Lys220Asn (NM_001290277.1); c.531A>T, p.Lys177Asn (NM_001290300.2); short protein forms K108N, K177N, K220N, K227N, K171N.
Identifiers: ClinVar variation 3942942 (VCV003942942.2).